The following is an entry in ClinVar:

NM_000051.4(ATM):c.1708T>G (p.Phe570Val)

Gene: ATM (ATM serine/threonine kinase; plus strand). Cytogenetic location: 11q22.3.
Variant type: single nucleotide variant.
Coding change: c.1708T>G on transcript NM_000051.4 (MANE Select); coding-DNA position 1708, T replaced by G.
Protein change: p.Phe570Val; replaces phenylalanine 570 with valine.
Molecular consequence: missense variant.
Genome position (GRCh38, 1-based): chr11:108,251,937, T>G. VCF-style: chr11-108251937-T-G. GRCh37 (hg19) VCF-style: chr11-108122664-T-G.
Other names: c.1708T>G, p.Phe570Val (NM_001351834.2); short protein forms F570V.
Identifiers: ClinVar variation 3720439 (VCV003720439.2).
Genomic context (GRCh38, chr11:108,251,937, plus strand): 5'-ATAGTTCCAGGAACGGTAAAAATGGGAATAGAGCAAAATATGTGTGAAGTAAATAGAAGC[T>G]TTTCTTTAAAGGAATCAATAATGAAATGGCTCTTATTCTATCAGTTAGAGGGTGACTTAG-3'
Protein context (NP_000042.3, residues 560-580): EQNMCEVNRS[Phe570Val]SLKESIMKWL

ClinVar aggregate classification (germline): Uncertain significance (1 of 4 stars; one submission).

Conditions:
Ataxia-telangiectasia syndrome (AT). Also called: ATAXIA-TELANGIECTASIA, COMPLEMENTATION GROUP A; ATAXIA-TELANGIECTASIA, FRESNO VARIANT; Ataxia-telangiectasia; Ataxia-telangiectasia, complementation group E; Ataxia telangiectasia (A-T); LOUIS-BAR SYNDROME. Identifiers: Orphanet 100, MedGen C0004135, MONDO:0008840, OMIM 208900.

Submission:

Labcorp Genetics (formerly Invitae), Labcorp
Classification: Uncertain significance for Ataxia-telangiectasia syndrome. Last evaluated: 2024-12-15. Review status: criteria provided, single submitter. Criteria: Invitae Variant Classification Sherloc (09022015). Collection method: clinical testing. Allele origin: germline.
Comment: This sequence change replaces phenylalanine, which is neutral and non-polar, with valine, which is neutral and non-polar, at codon 570 of the ATM protein (p.Phe570Val). This variant is not present in population databases (gnomAD no frequency). This variant has not been reported in the literature in individuals affected with ATM-related conditions. Invitae Evidence Modeling of protein sequence and biophysical properties (such as structural, functional, and spatial information, amino acid conservation, physicochemical variation, residue mobility, and thermodynamic stability) indicates that this missense variant is not expected to disrupt ATM protein function with a negative predictive value of 95%. In summary, the available evidence is currently insufficient to determine the role of this variant in disease. Therefore, it has been classified as a Variant of Uncertain Significance.